The following is an entry in ClinVar:

NM_004960.4(FUS):c.587A>G (p.Asn196Ser)

Gene: FUS (FUS RNA binding protein; plus strand). Cytogenetic location: 16p11.2.
Variant type: single nucleotide variant.
Coding change: c.587A>G on transcript NM_004960.4 (MANE Select); coding-DNA position 587, A replaced by G.
Protein change: p.Asn196Ser; replaces asparagine 196 with serine.
Molecular consequence: missense variant. On other transcripts: non-coding transcript variant (1).
Genome position (GRCh38, 1-based): chr16:31,185,002, A>G. VCF-style: chr16-31185002-A-G. GRCh37 (hg19) VCF-style: chr16-31196323-A-G.
Other names: c.584A>G, p.Asn195Ser (NM_001170634.1); c.575A>G, p.Asn192Ser (NM_001170937.1); short protein forms N192S, N196S, N195S.
Identifiers: ClinVar variation 2197540 (VCV002197540.5), dbSNP rs755591829, ClinGen allele CA8023715.

ClinVar aggregate classification (germline): Conflicting classifications of pathogenicity. Review status: criteria provided, conflicting classifications (1 of 4 stars). 2 submissions from 2 submitters: Uncertain significance (1); Likely benign (1). Last evaluated 2025-07-14.

Conditions:
Inborn genetic diseases. Identifiers: MedGen C0950123, MeSH D030342.
Amyotrophic lateral sclerosis type 6. Also called: Amyotrophic lateral sclerosis 6, with or without frontotemporal dementia; FUS-Related Amyotrophic Laterial Sclerosis; AMYOTROPHIC LATERAL SCLEROSIS 6 WITHOUT FRONTOTEMPORAL DEMENTIA. Identifiers: Orphanet 275872, Orphanet 803, MedGen C2931786, MONDO:0011951, OMIM 608030.
Tremor, hereditary essential, 4 (ETM4). Identifiers: MedGen C3539195, MONDO:0013888, OMIM 614782.

Allele frequency attached by ClinVar (database versions not stated): ExAC 0.00001; gnomAD exomes 0.00001.
gnomAD v4.1: 13 of 1,613,414 alleles (0.00081%); highest among the groups gnomAD compares: Middle Eastern, 0.017%; no homozygotes.

Submissions (2):

Labcorp Genetics (formerly Invitae), Labcorp
Classification: Uncertain significance for Tremor, hereditary essential, 4; Amyotrophic lateral sclerosis type 6. Last evaluated: 2025-07-14. Review status: criteria provided, single submitter. Criteria: Invitae Variant Classification Sherloc (09022015). Collection method: clinical testing. Allele origin: germline.
Comment: This sequence change replaces asparagine, which is neutral and polar, with serine, which is neutral and polar, at codon 196 of the FUS protein (p.Asn196Ser). This variant is present in population databases (rs755591829, gnomAD 0.0009%). This variant has not been reported in the literature in individuals affected with FUS-related conditions. ClinVar contains an entry for this variant (Variation ID: 2197540). An algorithm developed to predict the effect of missense changes on protein structure and function outputs the following: PolyPhen-2: "Not Available". The serine amino acid residue is found in multiple mammalian species, which suggests that this missense change does not adversely affect protein function. In summary, the available evidence is currently insufficient to determine the role of this variant in disease. Therefore, it has been classified as a Variant of Uncertain Significance.

Ambry Genetics
Classification: Likely benign for Inborn genetic diseases. Last evaluated: 2022-01-26. Review status: criteria provided, single submitter. Criteria: Ambry Variant Classification Scheme 2023. Collection method: clinical testing. Allele origin: germline.